The following is an entry in ClinVar:

NM_004990.4(MARS1):c.2527C>A (p.Gln843Lys)

Gene: MARS1 (methionyl-tRNA synthetase 1; plus strand). Cytogenetic location: 12q13.3.
Variant type: single nucleotide variant.
Coding change: c.2527C>A on transcript NM_004990.4 (MANE Select); coding-DNA position 2527, C replaced by A.
Protein change: p.Gln843Lys; replaces glutamine 843 with lysine.
Molecular consequence: missense variant.
Genome position (GRCh38, 1-based): chr12:57,516,308, C>A. VCF-style: chr12-57516308-C-A. GRCh37 (hg19) VCF-style: chr12-57910091-C-A.
Other names: c.2527C>A (NM_004990.3); short protein forms Q843K.
Identifiers: ClinVar variation 2077707 (VCV002077707.5), dbSNP rs561321660, ClinGen allele CA237773907.

ClinVar aggregate classification (germline): Uncertain significance. Review status: criteria provided, multiple submitters, no conflicts (2 of 4 stars). 2 submissions from 2 submitters: Uncertain significance (2). Last evaluated 2026-08-11.

Conditions:
Severe early-onset pulmonary alveolar proteinosis due to MARS deficiency. Also called: PULMONARY ALVEOLAR PROTEINOSIS, REUNION ISLAND; Interstitial lung and liver disease. Identifiers: Orphanet 440427, MedGen C4225400, MONDO:0014206, OMIM 615486.
Charcot-Marie-Tooth disease axonal type 2U. Also called: CHARCOT-MARIE-TOOTH NEUROPATHY, TYPE 2U; CHARCOT-MARIE-TOOTH DISEASE, AXONAL, AUTOSOMAL DOMINANT, TYPE 2U. Identifiers: Orphanet 397735, MedGen C4084821, MONDO:0014566, OMIM 616280.
MARS1-related disorder. Also called: MARS1-related condition.

Allele frequency attached by ClinVar (database versions not stated): TOPMed 0.00001; gnomAD 0.00002.
gnomAD v4.1: 30 of 1,614,188 alleles (0.0019%); highest among the groups gnomAD compares: Middle Eastern, 0.033%; no homozygotes.

Submissions (2):

PreventionGenetics, part of Exact Sciences
Classification: Uncertain significance for MARS1-related condition. Last evaluated: 2026-08-11. Review status: criteria provided, single submitter. Criteria: ACMG Guidelines, 2015. Collection method: clinical testing. Allele origin: germline.
Comment: The MARS1 c.2527C>A variant is predicted to result in the amino acid substitution p.Gln843Lys. To our knowledge, this variant has not been reported in the literature or in a large population database (gnomAD), indicating this variant is rare. At this time, the clinical significance of this variant is uncertain due to the absence of conclusive functional and genetic evidence.

Labcorp Genetics (formerly Invitae), Labcorp
Classification: Uncertain significance for Charcot-Marie-Tooth disease axonal type 2U; Severe early-onset pulmonary alveolar proteinosis due to MARS deficiency. Last evaluated: 2024-12-30. Review status: criteria provided, single submitter. Criteria: Invitae Variant Classification Sherloc (09022015). Collection method: clinical testing. Allele origin: germline.
Comment: This sequence change replaces glutamine, which is neutral and polar, with lysine, which is basic and polar, at codon 843 of the MARS protein (p.Gln843Lys). This variant is not present in population databases (gnomAD no frequency). This variant has not been reported in the literature in individuals affected with MARS-related conditions. ClinVar contains an entry for this variant (Variation ID: 2077707). An algorithm developed to predict the effect of missense changes on protein structure and function outputs the following: PolyPhen-2: "Benign". The lysine amino acid residue is found in multiple mammalian species, which suggests that this missense change does not adversely affect protein function. In summary, the available evidence is currently insufficient to determine the role of this variant in disease. Therefore, it has been classified as a Variant of Uncertain Significance.